The following is an entry in ClinVar:

NM_001204.7(BMPR2):c.3052T>C (p.Tyr1018His)

Gene: BMPR2 (bone morphogenetic protein receptor type 2; plus strand). Cytogenetic location: 2q33.2.
Variant type: single nucleotide variant.
Coding change: c.3052T>C on transcript NM_001204.7 (MANE Select); coding-DNA position 3052, T replaced by C.
Protein change: p.Tyr1018His; replaces tyrosine 1018 with histidine.
Molecular consequence: missense variant.
Genome position (GRCh38, 1-based): chr2:202,559,881, T>C. VCF-style: chr2-202559881-T-C. GRCh37 (hg19) VCF-style: chr2-203424604-T-C.
Other names: short protein forms Y1018H.
Identifiers: ClinVar variation 4214428 (VCV004214428.1).
Genomic context (GRCh38, chr2:202,559,881, plus strand): 5'-TGTGAAGTCAACAATAATGGCAGTAACAGGGCAGTTCATTCCAAATCCAGCACTGCTGTT[T>C]ACCTTGCAGAAGGAGGCACTGCTACAACCATGGTGTCTAAAGATATAGGAATGAACTGTC-3'
Protein context (NP_001195.2, residues 1008-1028): AVHSKSSTAV[Tyr1018His]LAEGGTATTM

ClinVar aggregate classification (germline): Uncertain significance (1 of 4 stars; one submission).

Conditions:
Inborn genetic diseases. Identifiers: MedGen C0950123, MeSH D030342.

gnomAD v4.1: 2 of 1,614,012 alleles (0.00012%); highest among the groups gnomAD compares: Admixed American, 0.0017%; no homozygotes.

Submission:

Ambry Genetics
Classification: Uncertain significance for Inborn genetic diseases. Last evaluated: 2025-07-05. Review status: criteria provided, single submitter. Criteria: Ambry Variant Classification Scheme 2023. Collection method: clinical testing. Allele origin: germline.
Comment: The p.Y1018H variant (also known as c.3052T>C), located in coding exon 13 of the BMPR2 gene, results from a T to C substitution at nucleotide position 3052. The tyrosine at codon 1018 is replaced by histidine, an amino acid with similar properties. This amino acid position is conserved. In addition, this alteration is predicted to be deleterious by in silico analysis. Based on the available evidence, the clinical significance of this variant remains unclear.